The following is an entry in ClinVar:

ClinVar aggregate classification (germline): Conflicting classifications of pathogenicity. Review status: criteria provided, conflicting classifications (1 of 4 stars). 16 submissions from 16 submitters: Uncertain significance (4); Benign (1); Likely benign (10). 1 of the submissions does not count toward it. Last evaluated 2026-06-01.

Conditions:
Geleophysic dysplasia 2 (GPHYSD2). Identifiers: Orphanet 2623, MedGen C3280054, MONDO:0013612, OMIM 614185.
Ectopia lentis 1, isolated, autosomal dominant (ECTOL1). Identifiers: Orphanet 1885, MedGen C3541518, MONDO:0007514, OMIM 129600.
Acromicric dysplasia (ACMICD). Also called: Acromicric skeletal dysplasia. Identifiers: Orphanet 969, MedGen C0265287, MONDO:0007055, OMIM 102370.
Weill-Marchesani syndrome 2, dominant. Also called: FBN1-Related Weill-Marchesani Syndrome; Weill-Marchesani Syndrome, Autosomal Dominant. Identifiers: Orphanet 2084, MedGen C1869115, MONDO:0012013, OMIM 608328.
MASS syndrome (OCTD). Also called: MASS PHENOTYPE; OVERLAP CONNECTIVE TISSUE DISEASE. Identifiers: MedGen C1858556, MONDO:0011431, OMIM 604308.
Progeroid and marfanoid aspect-lipodystrophy syndrome. Also called: MARFANOID-PROGEROID-LIPODYSTROPHY SYNDROME; MARFANOID-PROGEROID SYNDROME; MARFAN-PROGEROID-LIPODYSTROPHY SYNDROME; Marfan lipodystrophy syndrome. Identifiers: Orphanet 300382, MedGen C4310796, MONDO:0014831, OMIM 616914.
Stiff skin syndrome (SSKS). Identifiers: Orphanet 2833, MedGen C1861456, MONDO:0008492, OMIM 184900.
Marfan syndrome (MFS). Also called: MARFAN SYNDROME, TYPE I; Marfan syndrome type 1; Marfan's syndrome; Marfan syndrome, classic; FBN1-Related Marfan Syndrome. Identifiers: Orphanet 284963, Orphanet 558, MedGen C0024796, MONDO:0007947, OMIM 154700.
Familial thoracic aortic aneurysm and aortic dissection (TAAD). Also called: Thoracic aortic aneurysms and dissections. Identifiers: Orphanet 91387, MedGen C4707243, MONDO:0019625.
FBN1-related disorder. Also called: FBN1-related disorders.

Allele frequency attached by ClinVar (database versions not stated): gnomAD exomes 0.00012 and 0.00028; ExAC 0.00034; 1000 Genomes Project 0.00100; gnomAD 0.00105 and 0.00113; 1000 Genomes Project 30x 0.00109; ESP Exome Variant Server 0.00115; TOPMed 0.00132.
gnomAD v4.1: 355 of 1,614,050 alleles (0.022%); highest among the groups gnomAD compares: African/African-American, 0.4%; 1 homozygote.

Submissions (16):

CeGaT Center for Human Genetics Tuebingen
Classification: Likely benign. Last evaluated: 2026-06-01. Review status: criteria provided, single submitter. Criteria: CeGaT Center For Human Genetics Tuebingen Variant Classification Criteria Version 2. Collection method: clinical testing. Allele origin: germline. Affected: yes. Observed: 1 variant allele.
Comment: FBN1: BS1

Labcorp Genetics (formerly Invitae), Labcorp
Classification: Likely benign for Marfan syndrome; Familial thoracic aortic aneurysm and aortic dissection. Last evaluated: 2026-01-31. Review status: criteria provided, single submitter. Criteria: Invitae Variant Classification Sherloc (09022015). Collection method: clinical testing. Allele origin: germline.

Centre of Medical Genetics, University of Antwerp
Classification: Uncertain significance for Marfan syndrome. Last evaluated: 2021-03-01. Review status: criteria provided, single submitter. Criteria: Submitter's publication. Collection method: research. Allele origin: unknown. Affected: yes.
Comment: PP4

GeneDx
Classification: Likely benign. Last evaluated: 2020-12-07. Review status: criteria provided, single submitter. Criteria: GeneDx Variant Classification Process June 2021. Collection method: clinical testing. Allele origin: germline. Affected: yes.
Comment: This variant is associated with the following publications: (PMID: 24793577, 21542060, 27647783)

Johns Hopkins Genomics, Johns Hopkins University
Classification: Likely benign for Marfan syndrome. Last evaluated: 2020-12-07. Review status: criteria provided, single submitter. Criteria: ACMG Guidelines, 2015. Collection method: clinical testing. Allele origin: germline.

CHEO Genetics Diagnostic Laboratory, Children's Hospital of Eastern Ontario
Classification: Benign for Familial thoracic aortic aneurysm and aortic dissection. Last evaluated: 2019-10-29. Review status: criteria provided, single submitter. Criteria: ACMG Guidelines, 2015. Collection method: clinical testing. Allele origin: germline.

Laboratory for Molecular Medicine, Mass General Brigham Personalized Medicine
Classification: Likely benign. Last evaluated: 2018-12-31. Review status: criteria provided, single submitter. Criteria: LMM Criteria. Collection method: clinical testing. Allele origin: germline. Observed: 2 variant alleles.
Comment: The p.Ser1481Gly variant in FBN1 is classified as likely benign because it has b een identified in 0.4% (97/24962) of African chromosomes by gnomAD. ACMG/AMP Criteria applied: BS1.

Color Diagnostics, LLC DBA Color Health
Classification: Likely benign for Familial thoracic aortic aneurysm and aortic dissection. Last evaluated: 2018-11-14. Review status: criteria provided, single submitter. Criteria: ACMG Guidelines, 2015. Collection method: clinical testing. Allele origin: germline.

ARUP Laboratories, Molecular Genetics and Genomics, ARUP Laboratories
Classification: Likely benign. Last evaluated: 2018-10-02. Review status: criteria provided, single submitter. Criteria: ARUP Molecular Germline Variant Investigation Process. Collection method: clinical testing. Allele origin: germline.

SIB Swiss Institute of Bioinformatics
Classification: Likely benign for Marfan syndrome. Last evaluated: 2018-05-31. Review status: criteria provided, single submitter. Criteria: ACMG Guidelines, 2015. Collection method: curation. Allele origin: unknown.
Comment: This variant is interpreted as a Likely Benign, for Marfan syndrome, in Autosomal Dominant manner. The following ACMG Tag(s) were applied: BP2 => Observed in trans with a pathogenic variant for a fully penetrant dominant gene/disorder or observed in cis with a pathogenic variant in any inheritance pattern (PMID:21542060). BS2 => Observed in a healthy adult individual for a recessive (homozygous), dominant (heterozygous), or X-linked (hemizygous) disorder, with full penetrance expected at an early age.

Ambry Genetics
Classification: Likely benign for Familial thoracic aortic aneurysm and aortic dissection. Last evaluated: 2017-11-07. Review status: criteria provided, single submitter. Criteria: Ambry Variant Classification Scheme 2023. Collection method: clinical testing. Allele origin: germline.

Fulgent Genetics
Classification: Uncertain significance for Acromicric dysplasia; Ectopia lentis 1, isolated, autosomal dominant; Marfan syndrome; Stiff skin syndrome; MASS syndrome; Weill-Marchesani syndrome 2, dominant; Geleophysic dysplasia 2; Progeroid and marfanoid aspect-lipodystrophy syndrome. Last evaluated: 2017-05-23. Review status: criteria provided, single submitter. Criteria: ACMG Guidelines, 2015. Collection method: clinical testing. Allele origin: unknown.

Center for Human Genetics, Inc
Classification: Likely benign for Marfan syndrome. Last evaluated: 2016-11-01. Review status: criteria provided, single submitter. Criteria: ACMG Guidelines, 2015. Collection method: clinical testing. Allele origin: germline. Affected: yes.

Eurofins Ntd Llc (ga)
Classification: Uncertain significance. Last evaluated: 2014-09-03. Review status: criteria provided, single submitter. Criteria: EGL Classification Definitions 2015. Collection method: clinical testing. Allele origin: germline. Observed: 1 variant allele, 1 heterozygote.

Women's Health and Genetics/Laboratory Corporation of America, LabCorp
Classification: Uncertain significance for Marfan Syndrome. Last evaluated: 2011-08-18. Review status: criteria provided, single submitter. Criteria: LabCorp Variant Classification Summary - May 2015. Collection method: curation, clinical testing. Allele origin: germline. Inheritance: autosomal dominant. Affected: yes. Observed: 1 variant allele.
ClinVar note: Converted during submission from uncertain to Uncertain significance.

PreventionGenetics, part of Exact Sciences
Classification: Likely benign for FBN1-related condition. Last evaluated: 2021-04-14. Review status: no assertion criteria provided. Collection method: clinical testing. Allele origin: germline. Not counted in ClinVar's aggregate classification.
Comment: This variant is classified as likely benign based on ACMG/AMP sequence variant interpretation guidelines (Richards et al. 2015 PMID: 25741868, with internal and published modifications).

Literature cited by the submitters: PubMed 21542060 (cited by 3 submitters).

NM_000138.5(FBN1):c.4441A>G (p.Ser1481Gly)

Gene: FBN1 (fibrillin 1; minus strand). Cytogenetic location: 15q21.1.
Variant type: single nucleotide variant.
Coding change: c.4441A>G on transcript NM_000138.5 (MANE Select); coding-DNA position 4441, A replaced by G.
Protein change: p.Ser1481Gly; replaces serine 1481 with glycine.
Molecular consequence: missense variant.
Genome position (GRCh38, 1-based): chr15:48,470,652, T>C on the plus strand (A>G on the coding strand, the complement: FBN1 is on the minus strand). VCF-style: chr15-48470652-T-C. GRCh37 (hg19) VCF-style: chr15-48762849-T-C.
Other names: NM_000138.4(FBN1):c.4441A>G(p.Ser1481Gly); short protein forms S1481G.
Identifiers: ClinVar variation 36074 (VCV000036074.54), dbSNP rs61730054, ClinGen allele CA015068.